The following is an entry in ClinVar:

ClinVar aggregate classification (germline): Uncertain significance. Review status: criteria provided, multiple submitters, no conflicts (2 of 4 stars). 2 submissions from 2 submitters: Uncertain significance (2). Last evaluated 2023-10-25.

Conditions:
Progressive familial heart block type IB (PFHB1B). Identifiers: Orphanet 871, MedGen C1970298, MONDO:0011474, OMIM 604559.

Allele frequency attached by ClinVar (database versions not stated): gnomAD exomes below 0.00001.
gnomAD v4.1: 2 of 1,613,898 alleles (0.00012%); highest among the groups gnomAD compares: Non-Finnish European, 0.00017%; no homozygotes.

Submissions (2):

GeneDx
Classification: Uncertain significance. Last evaluated: 2023-10-25. Review status: criteria provided, single submitter. Criteria: GeneDx Variant Classification Process June 2021. Collection method: clinical testing. Allele origin: germline. Affected: yes.
Comment: Has not been previously published as pathogenic or benign to our knowledge; Not observed at significant frequency in large population cohorts (gnomAD); In silico analysis supports that this missense variant does not alter protein structure/function

Labcorp Genetics (formerly Invitae), Labcorp
Classification: Uncertain significance for Progressive familial heart block type IB. Last evaluated: 2022-09-20. Review status: criteria provided, single submitter. Criteria: Invitae Variant Classification Sherloc (09022015). Collection method: clinical testing. Allele origin: germline.
Comment: This variant has not been reported in the literature in individuals affected with TRPM4-related conditions. This variant is present in population databases (no rsID available, gnomAD 0.0009%). This sequence change replaces threonine, which is neutral and polar, with isoleucine, which is neutral and non-polar, at codon 28 of the TRPM4 protein (p.Thr28Ile). Algorithms developed to predict the effect of missense changes on protein structure and function (SIFT, PolyPhen-2, Align-GVGD) all suggest that this variant is likely to be tolerated. In summary, the available evidence is currently insufficient to determine the role of this variant in disease. Therefore, it has been classified as a Variant of Uncertain Significance.

NM_017636.4(TRPM4):c.83C>T (p.Thr28Ile)

Gene: TRPM4 (transient receptor potential cation channel subfamily M member 4; plus strand). Cytogenetic location: 19q13.33.
Variant type: single nucleotide variant.
Coding change: c.83C>T on transcript NM_017636.4 (MANE Select); coding-DNA position 83, C replaced by T.
Protein change: p.Thr28Ile; replaces threonine 28 with isoleucine.
Molecular consequence: missense variant. On other transcripts: 5 prime UTR variant (3).
Genome position (GRCh38, 1-based): chr19:49,158,250, C>T. VCF-style: chr19-49158250-C-T. GRCh37 (hg19) VCF-style: chr19-49661507-C-T.
Other names: c.83C>T (NM_017636.3); c.83C>T, p.Thr28Ile (NM_001195227.2, NM_001321281.2); c.-1290C>T (NM_001321282.2); c.-84C>T (NM_001321283.2); c.-247C>T (NM_001321285.2); short protein forms T28I.
Identifiers: ClinVar variation 1962894 (VCV001962894.6), dbSNP rs1368982955, ClinGen allele CA406788124.
Genomic context (GRCh38, chr19:49,158,250, plus strand): 5'-AGAGCTGGATCCCCAAGATCTTCAAGAAGAAGACCTGCACGACGTTCATAGTTGACTCCA[C>T]AGATCCGGGGTGAGGAGTTCGCCCCTGGACTGACCCCAGAGGGTCCGCGGCCCGCTGACC-3'
Protein context (NP_060106.2, residues 18-38): KTCTTFIVDS[Thr28Ile]DPGGTLCQCG